The following is an entry in ClinVar:

NM_001267550.2(TTN):c.65114T>A (p.Leu21705Gln)

Genes: TTN (titin; minus strand), TTN-AS1 (TTN antisense RNA 1; plus strand). Cytogenetic location: 2q31.2.
Variant type: single nucleotide variant.
Coding change: c.65114T>A on transcript NM_001267550.2 (MANE Select); coding-DNA position 65114, T replaced by A.
Protein change: p.Leu21705Gln; replaces leucine 21705 with glutamine.
Molecular consequence: missense variant.
Genome position (GRCh38, 1-based): chr2:178,584,437, A>T on the plus strand (T>A on the coding strand, the complement: TTN is on the minus strand). VCF-style: chr2-178584437-A-T. GRCh37 (hg19) VCF-style: chr2-179449164-A-T.
Other names: c.60191T>A, p.Leu20064Gln (NM_001256850.1); c.37919T>A, p.Leu12640Gln (NM_003319.4); c.57410T>A, p.Leu19137Gln (NM_133378.4); c.38294T>A, p.Leu12765Gln (NM_133432.3); c.38495T>A, p.Leu12832Gln (NM_133437.4); short protein forms L12832Q, L12765Q, L19137Q, L20064Q, L12640Q, L21705Q.
Identifiers: ClinVar variation 1477527 (VCV001477527.6), dbSNP rs2154179812, ClinGen allele CA349435258.

ClinVar aggregate classification (germline): Uncertain significance (1 of 4 stars; one submission).

Conditions:
Dilated cardiomyopathy 1G (CMD1G). Identifiers: Orphanet 154, MedGen C1858763, MONDO:0011400, OMIM 604145.
Autosomal recessive limb-girdle muscular dystrophy type 2J (LGMDR10). Also called: MUSCULAR DYSTROPHY, LIMB-GIRDLE, AUTOSOMAL RECESSIVE 10; Limb-girdle muscular dystrophy, type 2J. Identifiers: Orphanet 140922, MedGen C1837342, MONDO:0012127, OMIM 608807.

Submission:

Labcorp Genetics (formerly Invitae), Labcorp
Classification: Uncertain significance for Dilated cardiomyopathy 1G; Autosomal recessive limb-girdle muscular dystrophy type 2J. Last evaluated: 2025-03-23. Review status: criteria provided, single submitter. Criteria: Invitae Variant Classification Sherloc (09022015). Collection method: clinical testing. Allele origin: germline.
Comment: This sequence change replaces leucine, which is neutral and non-polar, with glutamine, which is neutral and polar, at codon 21705 of the TTN protein (p.Leu21705Gln). This variant is not present in population databases (gnomAD no frequency). This variant has not been reported in the literature in individuals affected with TTN-related conditions. ClinVar contains an entry for this variant (Variation ID: 1477527). Experimental studies and prediction algorithms are not available or were not evaluated, and the functional significance of this variant is currently unknown. In summary, the available evidence is currently insufficient to determine the role of this variant in disease. Therefore, it has been classified as a Variant of Uncertain Significance.